The following is an entry in ClinVar:

NM_014915.3(ANKRD26):c.-106T>C

Gene: ANKRD26 (ankyrin repeat domain 26; minus strand). Cytogenetic location: 10p12.1.
Variant type: single nucleotide variant.
Coding change: c.-106T>C on transcript NM_014915.3 (MANE Select); 106 bases upstream of the start codon, T replaced by C.
Molecular consequence: 5 prime UTR variant.
Genome position (GRCh38, 1-based): chr10:27,100,432, A>G on the plus strand (T>C on the coding strand, the complement: ANKRD26 is on the minus strand). VCF-style: chr10-27100432-A-G. GRCh37 (hg19) VCF-style: chr10-27389361-A-G.
Other names: c.-106T>C (NM_001256053.2).
Identifiers: ClinVar variation 2799645 (VCV002799645.3), dbSNP rs1284349476, ClinGen allele CA663342951.

ClinVar aggregate classification (germline): Uncertain significance (1 of 4 stars; one submission).

Allele frequency attached by ClinVar (database versions not stated): gnomAD exomes below 0.00001; gnomAD 0.00001; TOPMed 0.00001.
gnomAD v4.1: 3 of 1,514,370 alleles (0.0002%); highest among the groups gnomAD compares: African/African-American, 0.0014%; no homozygotes.

Submission:

Labcorp Genetics (formerly Invitae), Labcorp
Classification: Uncertain significance. Last evaluated: 2025-01-21. Review status: criteria provided, single submitter. Criteria: Invitae Variant Classification Sherloc (09022015). Collection method: clinical testing. Allele origin: germline.
Comment: This variant occurs in a non-coding region of the ANKRD26 gene. It does not change the encoded amino acid sequence of the ANKRD26 protein. This variant is not present in population databases (gnomAD no frequency). This variant has not been reported in the literature in individuals affected with ANKRD26-related conditions. ClinVar contains an entry for this variant (Variation ID: 2799645). Experimental studies and prediction algorithms are not available or were not evaluated, and the functional significance of this variant is currently unknown. In summary, the available evidence is currently insufficient to determine the role of this variant in disease. Therefore, it has been classified as a Variant of Uncertain Significance.